The following is an entry in ClinVar:

NM_206926.2(SELENON):c.126_134dup (p.Ala43_Ala45dup)

Gene: SELENON (selenoprotein N; plus strand). Cytogenetic location: 1p36.11.
Variant type: Duplication.
Coding change: c.126_134dup on transcript NM_206926.2 (MANE Select); coding-DNA positions 126 to 134, 9 bases duplicated (TGCCGCCGC; older notation c.126_134dupTGCCGCCGC).
Protein change: p.Ala43_Ala45dup.
Molecular consequence: inframe insertion.
Genome position (GRCh38, 1-based): chr1:25,800,356-25,800,364, TGCCGCCGC duplicated; duplicating any 9 consecutive bases within chr1:25,800,348-25,800,364 gives the same sequence; the c. name uses the placement nearest the transcript's 3' end. VCF-style (leftmost placement, unchanged base first): chr1-25800347-C-CGCCGCCGCT. GRCh37 (hg19) VCF-style: chr1-26126838-C-CGCCGCCGCT.
Other names: c.126_134dup, p.Ala43_Ala45dup (NM_020451.3).
Identifiers: ClinVar variation 1517338 (VCV001517338.5), dbSNP rs1161050482, ClinGen allele CA521904908.

ClinVar aggregate classification (germline): Uncertain significance (1 of 4 stars; one submission).

Conditions:
Eichsfeld type congenital muscular dystrophy (CMYO3). Also called: MYOPATHY, SEPN1-RELATED; SELENON-related myopathy; Congenital myopathy 3 with rigid spine; Rigid spine muscular dystrophy 1. Identifiers: MedGen C0410180, MONDO:0100100, OMIM 602771.

Submission:

Labcorp Genetics (formerly Invitae), Labcorp
Classification: Uncertain significance for Eichsfeld type congenital muscular dystrophy. Last evaluated: 2022-09-13. Review status: criteria provided, single submitter. Criteria: Invitae Variant Classification Sherloc (09022015). Collection method: clinical testing. Allele origin: germline.
Comment: This variant, c.126_134dup, results in the insertion of 3 amino acid(s) of the SELENON protein (p.Ala43_Ala45dup), but otherwise preserves the integrity of the reading frame. This variant is present in population databases (no rsID available, gnomAD 0.007%). This variant has not been reported in the literature in individuals affected with SELENON-related conditions. ClinVar contains an entry for this variant (Variation ID: 1517338). Experimental studies and prediction algorithms are not available or were not evaluated, and the functional significance of this variant is currently unknown. In summary, the available evidence is currently insufficient to determine the role of this variant in disease. Therefore, it has been classified as a Variant of Uncertain Significance.